The following is an entry in ClinVar:

ClinVar aggregate classification (germline): Uncertain significance (1 of 4 stars; one submission).

Submission:

GeneDx
Classification: Uncertain significance. Last evaluated: 2022-08-15. Review status: criteria provided, single submitter. Criteria: GeneDx Variant Classification Process June 2021. Collection method: clinical testing. Allele origin: germline. Affected: yes.
Comment: Not observed at significant frequency in large population cohorts (gnomAD); Missense variants in this gene are often considered pathogenic (HGMD); In silico analysis supports that this missense variant has a deleterious effect on protein structure/function; Has not been previously published as pathogenic or benign to our knowledge

NM_002755.4(MAP2K1):c.488A>G (p.Glu163Gly)

Gene: MAP2K1 (mitogen-activated protein kinase kinase 1; plus strand). Cytogenetic location: 15q22.31.
Variant type: single nucleotide variant.
Coding change: c.488A>G on transcript NM_002755.4 (MANE Select); coding-DNA position 488, A replaced by G.
Protein change: p.Glu163Gly; replaces glutamic acid 163 with glycine.
Molecular consequence: missense variant.
Genome position (GRCh38, 1-based): chr15:66,443,329, A>G. VCF-style: chr15-66443329-A-G. GRCh37 (hg19) VCF-style: chr15-66735667-A-G.
Other names: short protein forms E163G.
Identifiers: ClinVar variation 2430477 (VCV002430477.1), dbSNP rs2140598156, ClinGen allele CA392931906.